The following is an entry in ClinVar:

ClinVar aggregate classification (germline): Uncertain significance (1 of 4 stars; one submission).

gnomAD v4.1: 1 of 1,614,068 alleles (0.000062%); highest among the groups gnomAD compares: South Asian, 0.0011%; no homozygotes.

Submission:

GeneDx
Classification: Uncertain significance. Last evaluated: 2022-11-30. Review status: criteria provided, single submitter. Criteria: GeneDx Variant Classification Process June 2021. Collection method: clinical testing. Allele origin: germline. Affected: yes.
Comment: Not observed at significant frequency in large population cohorts (gnomAD); In silico analysis supports that this missense variant has a deleterious effect on protein structure/function; Has not been previously published as pathogenic or benign to our knowledge

NM_001083962.2(TCF4):c.1474G>C (p.Asp492His)

Gene: TCF4 (transcription factor 4; minus strand). Cytogenetic location: 18q21.2.
Variant type: single nucleotide variant.
Coding change: c.1474G>C on transcript NM_001083962.2 (MANE Select); coding-DNA position 1474, G replaced by C.
Protein change: p.Asp492His; replaces aspartic acid 492 with histidine.
Molecular consequence: missense variant.
Genome position (GRCh38, 1-based): chr18:55,234,560, C>G on the plus strand (G>C on the coding strand, the complement: TCF4 is on the minus strand). VCF-style: chr18-55234560-C-G. GRCh37 (hg19) VCF-style: chr18-52901791-C-G.
Other names: c.1780G>C, p.Asp594His (NM_001243226.3); c.1402G>C, p.Asp468His (NM_001243227.2, NM_001306207.1, NM_001348217.1 and 5 more transcripts); c.1492G>C, p.Asp498His (NM_001243228.2); c.1465G>C, p.Asp489His (NM_001243230.2); c.1348G>C, p.Asp450His (NM_001243231.2, NM_001348211.2); c.1261G>C, p.Asp421His (NM_001243232.1, NM_001306208.1); c.1084G>C, p.Asp362His (NM_001243233.2, NM_001330605.3, NM_001348212.2 and 1 more transcripts); c.994G>C, p.Asp332His (NM_001243234.2, NM_001243235.2, NM_001243236.2 and 1 more transcripts); and 6 more; short protein forms D276H, D331H, D332H, D362H, D421H, D450H, D467H, D468H.
Identifiers: ClinVar variation 2504211 (VCV002504211.1), dbSNP rs2511633002, ClinGen allele CA402531479.
Genomic context (GRCh38, chr18:55,234,560, plus strand): 5'-TCCTATTGTGAAAGTGAGGTCAGAAGTGCCCTGGTGAGGCCAACCTACCTCTGTAAGGGT[C>G]CTGGGGTGGGTTCAGGTCAGGGGAAGTCGCAGACTGGACAGGAAGCTGTGGAACCGGAAC-3'
Protein context (NP_001077431.1, residues 482-502): ATSPDLNPPQ[Asp492His]PYRGMPPGLQ